The following is an entry in ClinVar:

NM_020754.4(ARHGAP31):c.3644C>T (p.Pro1215Leu)

Gene: ARHGAP31 (Rho GTPase activating protein 31; plus strand). Cytogenetic location: 3q13.33.
Variant type: single nucleotide variant.
Coding change: c.3644C>T on transcript NM_020754.4 (MANE Select); coding-DNA position 3644, C replaced by T.
Protein change: p.Pro1215Leu; replaces proline 1215 with leucine.
Molecular consequence: missense variant.
Genome position (GRCh38, 1-based): chr3:119,415,573, C>T. VCF-style: chr3-119415573-C-T. GRCh37 (hg19) VCF-style: chr3-119134420-C-T.
Other names: c.3644C>T (NM_020754.2); short protein forms P1215L.
Identifiers: ClinVar variation 1924935 (VCV001924935.7), dbSNP rs943042501, ClinGen allele CA81698460.

ClinVar aggregate classification (germline): Uncertain significance. Review status: criteria provided, multiple submitters, no conflicts (2 of 4 stars). 2 submissions from 2 submitters: Uncertain significance (2). Last evaluated 2024-09-13.

Submissions (2):

GeneDx
Classification: Uncertain significance. Last evaluated: 2024-09-13. Review status: criteria provided, single submitter. Criteria: GeneDx Variant Classification Process June 2021. Collection method: clinical testing. Allele origin: germline.
Comment: Not observed at significant frequency in large population cohorts (gnomAD); In silico analysis supports that this missense variant has a deleterious effect on protein structure/function; Has not been previously published as pathogenic or benign to our knowledge

Labcorp Genetics (formerly Invitae), Labcorp
Classification: Uncertain significance. Last evaluated: 2023-11-06. Review status: criteria provided, single submitter. Criteria: Invitae Variant Classification Sherloc (09022015). Collection method: clinical testing. Allele origin: germline.
Comment: This sequence change replaces proline, which is neutral and non-polar, with leucine, which is neutral and non-polar, at codon 1215 of the ARHGAP31 protein (p.Pro1215Leu). This variant is not present in population databases (gnomAD no frequency). This variant has not been reported in the literature in individuals affected with ARHGAP31-related conditions. ClinVar contains an entry for this variant (Variation ID: 1924935). An algorithm developed to predict the effect of missense changes on protein structure and function (PolyPhen-2) suggests that this variant is likely to be disruptive. In summary, the available evidence is currently insufficient to determine the role of this variant in disease. Therefore, it has been classified as a Variant of Uncertain Significance.